The following is an entry in ClinVar:

ClinVar aggregate classification (germline): Uncertain significance (1 of 4 stars; one submission).

Submission:

Labcorp Genetics (formerly Invitae), Labcorp
Classification: Uncertain significance. Last evaluated: 2024-07-23. Review status: criteria provided, single submitter. Criteria: Invitae Variant Classification Sherloc (09022015). Collection method: clinical testing. Allele origin: germline.
Comment: This sequence change replaces glutamine, which is neutral and polar, with proline, which is neutral and non-polar, at codon 18 of the ATP1A1 protein (p.Gln18Pro). This variant is not present in population databases (gnomAD no frequency). This variant has not been reported in the literature in individuals affected with ATP1A1-related conditions. Advanced modeling of protein sequence and biophysical properties (such as structural, functional, and spatial information, amino acid conservation, physicochemical variation, residue mobility, and thermodynamic stability) performed at Invitae indicates that this missense variant is not expected to disrupt ATP1A1 protein function with a negative predictive value of 95%. In summary, the available evidence is currently insufficient to determine the role of this variant in disease. Therefore, it has been classified as a Variant of Uncertain Significance.

NM_000701.8(ATP1A1):c.53A>C (p.Gln18Pro)

Gene: ATP1A1 (ATPase Na+/K+ transporting subunit alpha 1; plus strand). Cytogenetic location: 1p13.1.
Variant type: single nucleotide variant.
Coding change: c.53A>C on transcript NM_000701.8 (MANE Select); coding-DNA position 53, A replaced by C.
Protein change: p.Gln18Pro; replaces glutamine 18 with proline.
Molecular consequence: missense variant. On other transcripts: 5 prime UTR variant (1).
Genome position (GRCh38, 1-based): chr1:116,384,054, A>C. VCF-style: chr1-116384054-A-C. GRCh37 (hg19) VCF-style: chr1-116926676-A-C.
Other names: c.53A>C, p.Gln18Pro (NM_001160233.2); c.-41A>C (NM_001160234.2); short protein forms Q18P.
Identifiers: ClinVar variation 3633596 (VCV003633596.2).
Genomic context (GRCh38, chr1:116,384,054, plus strand): 5'-TTTCCCACATTCTCCTACAGGTTGGACGTGATAAGTATGAGCCTGCAGCTGTTTCAGAAC[A>C]AGGTGATAAAAAGGGCAAAAAGGGCAAAAAAGACAGGGACATGGATGAACTGAAGAAAGA-3'
Protein context (NP_000692.2, residues 8-28): DKYEPAAVSE[Gln18Pro]GDKKGKKGKK